The following is an entry in ClinVar:

NM_002875.5(RAD51):c.793A>G (p.Ile265Val)

Gene: RAD51 (RAD51 recombinase; plus strand). Cytogenetic location: 15q15.1.
Variant type: single nucleotide variant.
Coding change: c.793A>G on transcript NM_002875.5 (MANE Select); coding-DNA position 793, A replaced by G.
Protein change: p.Ile265Val; replaces isoleucine 265 with valine.
Molecular consequence: missense variant. On other transcripts: intron variant (1).
Genome position (GRCh38, 1-based): chr15:40,729,871, A>G. VCF-style: chr15-40729871-A-G. GRCh37 (hg19) VCF-style: chr15-41022069-A-G.
Other names: c.796A>G, p.Ile266Val (NM_001164269.2, NM_133487.4); c.774+237A>G (NM_001164270.2); short protein forms I265V, I266V.
Identifiers: ClinVar variation 1337808 (VCV001337808.4), dbSNP rs2141883371, ClinGen allele CA391759621.
Genomic context (GRCh38, chr15:40,729,871, plus strand): 5'-TGTCTATGGCCACAAAATTGACATTTATCCTTTCCCCATCAGTTTGGTGTAGCAGTGGTA[A>G]TCACTAATCAGGTGGTAGCTCAAGTGGATGGAGCAGCGATGTTTGCTGCTGATCCCAAAA-3'
Protein context (NP_002866.2, residues 255-275): LADEFGVAVV[Ile265Val]TNQVVAQVDG

ClinVar aggregate classification (germline): Uncertain significance (1 of 4 stars; one submission).

Submission:

Genetic Services Laboratory, University of Chicago
Classification: Uncertain significance. Last evaluated: 2021-01-07. Review status: criteria provided, single submitter. Criteria: ACMG Guidelines, 2015. Collection method: clinical testing. Allele origin: germline. Affected: no.
Comment: DNA sequence analysis of the RAD51 gene demonstrated a sequence change, c.793A>G, in exon 9 that results in an amino acid change, p.Ile265Val. This sequence change does not appear to have been previously described in individuals with RAD51-related disorders and has also not been described in population databases (gnomAD, ExAC). The p.Ile265Val change affects a highly conserved amino acid residue located in a domain of the RAD51 protein that is known to be functional. The p.Ile265Val substitution appears to be benign using several in-silico pathogenicity prediction tools (SIFT, PolyPhen2, Align GVGD, REVEL). Due to these contrasting evidences and the lack of functional studies, the clinical significance of the p.Ile265Val change remains unknown at this time.